The following is an entry in ClinVar:

ClinVar aggregate classification (germline): Pathogenic/Likely pathogenic. Review status: criteria provided, multiple submitters, no conflicts (2 of 4 stars). 2 submissions from 2 submitters: Pathogenic (1); Likely pathogenic (1). Last evaluated 2024-06-26.

Conditions:
Pyruvate dehydrogenase E3 deficiency (DLDD). Also called: Dihydrolipoamide Dehydrogenase (E3) Deficiency; Lipoamide dehydrogenase deficiency, lactic acidosis due to; Lipoamide dehydrogenase deficiency; Dihydrolipoamide Dehydrogenase E3 Deficiency; DLD DEFICIENCY; E3 DEFICIENCY. Identifiers: Orphanet 2394, Orphanet 765, MedGen C5574660, MONDO:0009529, OMIM 246900.

Submissions (2):

Natera, Inc.
Classification: Likely pathogenic for Maple syrup urine disease type 3. Last evaluated: 2024-06-26. Review status: criteria provided, single submitter. Criteria: Natera Variant Classification Schema (03/2026). Collection method: clinical testing. Allele origin: germline.
Comment: The c.1182C>G variant in DLD is a nonsense variant predicted to introduce a stop codon at amino acid 394. This variant is expected to result in nonsense mediated decay, truncation, or a dysfunctional protein product. This variant is rare in the general population with a frequency below the threshold expected for the associated phenotype(s). Given the available evidence, this variant is classified as Likely Pathogenic.

Labcorp Genetics (formerly Invitae), Labcorp
Classification: Pathogenic for Pyruvate dehydrogenase E3 deficiency. Last evaluated: 2020-09-15. Review status: criteria provided, single submitter. Criteria: Invitae Variant Classification Sherloc (09022015). Collection method: clinical testing. Allele origin: germline.
Comment: This variant is not present in population databases (ExAC no frequency). This sequence change creates a premature translational stop signal (p.Tyr394*) in the DLD gene. It is expected to result in an absent or disrupted protein product. This variant has not been reported in the literature in individuals with DLD-related conditions. For these reasons, this variant has been classified as Pathogenic. Loss-of-function variants in DLD are known to be pathogenic (PMID: 8968745, 9934985).

Literature cited by the submitters: PubMed 8968745 (cited by Labcorp Genetics (formerly Invitae), Labcorp); PubMed 9934985 (cited by Labcorp Genetics (formerly Invitae), Labcorp).

NM_000108.5(DLD):c.1182C>G (p.Tyr394Ter)

Gene: DLD (dihydrolipoamide dehydrogenase; plus strand). Cytogenetic location: 7q31.1.
Variant type: single nucleotide variant.
Coding change: c.1182C>G on transcript NM_000108.5 (MANE Select); coding-DNA position 1182, C replaced by G.
Protein change: p.Tyr394Ter; replaces tyrosine 394 with a stop codon.
Molecular consequence: nonsense.
Genome position (GRCh38, 1-based): chr7:107,917,408, C>G. VCF-style: chr7-107917408-C-G. GRCh37 (hg19) VCF-style: chr7-107557853-C-G.
Other names: c.1182C>G (NM_000108.4); c.885C>G, p.Tyr295Ter (NM_001289750.1); c.1113C>G, p.Tyr371Ter (NM_001289751.1); c.1038C>G, p.Tyr346Ter (NM_001289752.1); short protein forms Y295*, Y346*, Y371*, Y394*.
Identifiers: ClinVar variation 1070701 (VCV001070701.8), dbSNP rs757087726, ClinGen allele CA368858470.